The following is an entry in ClinVar:

ClinVar aggregate classification (germline): Pathogenic. Review status: criteria provided, multiple submitters, no conflicts (2 of 4 stars). 2 submissions from 2 submitters: Pathogenic (2). Last evaluated 2021-07-07.

Conditions:
Hereditary cancer-predisposing syndrome. Also called: Tumor predisposition; Neoplastic Syndromes, Hereditary; Hereditary Cancer Syndrome; Hereditary neoplastic syndrome. Identifiers: Orphanet 140162, MedGen C0027672, MeSH D009386, MONDO:0015356.
Familial adenomatous polyposis 2. Also called: COLORECTAL ADENOMATOUS POLYPOSIS, AUTOSOMAL RECESSIVE; ADENOMAS, MULTIPLE COLORECTAL, AUTOSOMAL RECESSIVE; MYH-associated polyposis; MUTYH Polyposis; Adenomas, multiple colorectal; MUTYH-associated polyposis. Identifiers: Orphanet 220460, Orphanet 247798, MedGen C3272841, MONDO:0012041, OMIM 608456.

Submissions (2):

Ambry Genetics
Classification: Pathogenic for Hereditary cancer-predisposing syndrome. Last evaluated: 2021-07-07. Review status: criteria provided, single submitter. Criteria: Ambry Variant Classification Scheme 2023. Collection method: clinical testing. Allele origin: germline.
Comment: The c.276dupA variant, located in coding exon 3 of the MUTYH gene, results from a duplication of A at nucleotide position 276, causing a translational frameshift with a predicted alternate stop codon (p.V93Sfs*28). This alteration is expected to result in loss of function by premature protein truncation or nonsense-mediated mRNA decay. As such, this alteration is interpreted as a disease-causing mutation.

Labcorp Genetics (formerly Invitae), Labcorp
Classification: Pathogenic for Familial adenomatous polyposis 2. Last evaluated: 2018-10-13. Review status: criteria provided, single submitter. Criteria: Invitae Variant Classification Sherloc (09022015). Collection method: clinical testing. Allele origin: germline.
Comment: For these reasons, this variant has been classified as Pathogenic. Loss-of-function variants in MUTYH are known to be pathogenic (PMID: 18534194, 20663686). This variant has not been reported in the literature in individuals with MUTYH-related disease. This variant is not present in population databases (ExAC no frequency). This sequence change creates a premature translational stop signal (p.Val93Serfs*28) in the MUTYH gene. It is expected to result in an absent or disrupted protein product.

Literature cited by the submitters: PubMed 18534194 (cited by Labcorp Genetics (formerly Invitae), Labcorp); PubMed 20663686 (cited by Labcorp Genetics (formerly Invitae), Labcorp).

NM_001048174.2(MUTYH):c.192dup (p.Val65fs)

Gene: MUTYH (mutY DNA glycosylase; minus strand). Cytogenetic location: 1p34.1.
Variant type: Duplication.
Coding change: c.192dup on transcript NM_001048174.2 (MANE Select); coding-DNA position 192, one base duplicated (A; older notation c.192dupA).
Protein change: p.Val65fs; shifts the reading frame from valine 65.
Molecular consequence: frameshift variant. On other transcripts: 5 prime UTR variant (4), non-coding transcript variant (2).
Genome position (GRCh38, 1-based): chr1:45,333,485, T duplicated on the plus strand (A on the coding strand, the reverse complement: MUTYH is on the minus strand); the first of 2 consecutive T bases (chr1:45,333,485-45,333,486); duplicating either gives the same sequence. VCF-style (leftmost placement, unchanged base first): chr1-45333484-C-CT. GRCh37 (hg19) VCF-style: chr1-45799156-C-CT.
Other names: c.276dupA (NM_001128425.1); c.192dup, p.Val65fs (NM_001048171.2, NM_001048173.2, NM_001293195.2); c.195dup, p.Val66fs (NM_001048172.2); c.276dup, p.Val93fs (NM_001128425.2); c.237dup, p.Val80fs (NM_001293190.2); c.225dup, p.Val76fs (NM_001293191.2); c.-85dup (NM_001293192.2, NM_001293196.2); c.-80dup (NM_001350650.2, NM_001350651.2); and 1 more; short protein forms V76fs, V80fs, V93fs, V90fs, V66fs, V65fs.
Identifiers: ClinVar variation 657663 (VCV000657663.9), dbSNP rs1570443585, ClinGen allele CA915941278.